The following is an entry in ClinVar:

ClinVar aggregate classification (germline): Likely benign (0 of 4 stars; one submission).

Conditions:
RAD51-related disorder. Also called: RAD51-related disorders; RAD51-related condition.

Submission:

PreventionGenetics, part of Exact Sciences
Classification: Likely benign for RAD51-related condition. Last evaluated: 2024-06-03. Review status: no assertion criteria provided. Collection method: clinical testing. Allele origin: germline.
Comment: This variant is classified as likely benign based on ACMG/AMP sequence variant interpretation guidelines (Richards et al. 2015 PMID: 25741868, with internal and published modifications).

NM_002875.5(RAD51):c.225+598_225+601del

Gene: RAD51 (RAD51 recombinase; plus strand). Cytogenetic location: 15q15.1.
Variant type: Deletion.
Coding change: c.225+598_225+601del on transcript NM_002875.5 (MANE Select); bases 598 to 601 of the intron after coding-DNA position 225, 4 bases deleted (TTTT; older notation c.225+598_225+601delTTTT).
Molecular consequence: intron variant.
Genome position (GRCh38, 1-based): chr15:40,701,799-40,701,802, TTTT deleted; deleting any 4 consecutive bases within chr15:40,701,777-40,701,802 gives the same sequence; the c. name uses the placement nearest the transcript's 3' end. VCF-style (leftmost placement, unchanged base first): chr15-40701776-ATTTT-A. GRCh37 (hg19) VCF-style: chr15-40993974-ATTTT-A.
Other names: c.226-7_226-4del (NM_133487.4, NM_001164269.2); c.225+598_225+601del (NM_001164270.2).
Identifiers: ClinVar variation 3352656 (VCV003352656.1).